The following is an entry in ClinVar:

ClinVar aggregate classification (germline): Uncertain significance (1 of 4 stars; one submission).

Submission:

Labcorp Genetics (formerly Invitae), Labcorp
Classification: Uncertain significance. Last evaluated: 2024-03-27. Review status: criteria provided, single submitter. Criteria: Invitae Variant Classification Sherloc (09022015). Collection method: clinical testing. Allele origin: germline.
Comment: This sequence change replaces glutamic acid, which is acidic and polar, with aspartic acid, which is acidic and polar, at codon 1094 of the MSH3 protein (p.Glu1094Asp). This variant is not present in population databases (gnomAD no frequency). This variant has not been reported in the literature in individuals affected with MSH3-related conditions. An algorithm developed to predict the effect of missense changes on protein structure and function (PolyPhen-2) suggests that this variant is likely to be disruptive. In summary, the available evidence is currently insufficient to determine the role of this variant in disease. Therefore, it has been classified as a Variant of Uncertain Significance.

NM_002439.5(MSH3):c.3282A>T (p.Glu1094Asp)

Gene: MSH3 (mutS homolog 3; plus strand). Cytogenetic location: 5q14.1.
Variant type: single nucleotide variant.
Coding change: c.3282A>T on transcript NM_002439.5 (MANE Select); coding-DNA position 3282, A replaced by T.
Protein change: p.Glu1094Asp; replaces glutamic acid 1094 with aspartic acid.
Molecular consequence: missense variant.
Genome position (GRCh38, 1-based): chr5:80,873,267, A>T. VCF-style: chr5-80873267-A-T. GRCh37 (hg19) VCF-style: chr5-80169086-A-T.
Other names: short protein forms E1094D.
Identifiers: ClinVar variation 3647769 (VCV003647769.2).